The following is an entry in ClinVar:

NM_001286.5(CLCN6):c.2279A>G (p.Tyr760Cys)

Gene: CLCN6 (chloride voltage-gated channel 6; plus strand). Cytogenetic location: 1p36.22.
Variant type: single nucleotide variant.
Coding change: c.2279A>G on transcript NM_001286.5 (MANE Select); coding-DNA position 2279, A replaced by G.
Protein change: p.Tyr760Cys; replaces tyrosine 760 with cysteine.
Molecular consequence: missense variant. On other transcripts: non-coding transcript variant (1).
Genome position (GRCh38, 1-based): chr1:11,837,483, A>G. VCF-style: chr1-11837483-A-G. GRCh37 (hg19) VCF-style: chr1-11897540-A-G.
Other names: c.2213A>G, p.Tyr738Cys (NM_001256959.2); short protein forms Y738C, Y760C.
Identifiers: ClinVar variation 1718561 (VCV001718561.5), dbSNP rs2523172772, ClinGen allele CA338442298.

ClinVar aggregate classification (germline): Uncertain significance (1 of 4 stars; one submission).

gnomAD v4.1: 1 of 1,613,344 alleles (0.000062%); no homozygotes.

Submission:

Labcorp Genetics (formerly Invitae), Labcorp
Classification: Uncertain significance. Last evaluated: 2022-09-01. Review status: criteria provided, single submitter. Criteria: Invitae Variant Classification Sherloc (09022015). Collection method: clinical testing. Allele origin: germline.
Comment: This variant is not present in population databases (gnomAD no frequency). In summary, the available evidence is currently insufficient to determine the role of this variant in disease. Therefore, it has been classified as a Variant of Uncertain Significance. Algorithms developed to predict the effect of missense changes on protein structure and function (SIFT, PolyPhen-2, Align-GVGD) all suggest that this variant is likely to be disruptive. This variant has not been reported in the literature in individuals affected with CLCN6-related conditions. This sequence change replaces tyrosine, which is neutral and polar, with cysteine, which is neutral and slightly polar, at codon 760 of the CLCN6 protein (p.Tyr760Cys).